The following is an entry in ClinVar:

ClinVar aggregate classification (germline): Likely benign. Review status: criteria provided, single submitter (1 of 4 stars). 2 submissions from 2 submitters: Likely benign (1). 1 of the submissions does not count toward it. Last evaluated 2022-09-05.

Conditions:
PRX-related disorder. Also called: PRX-Related Disorders; PRX-related condition.
Charcot-Marie-Tooth disease type 4. Also called: Charcot-Marie-Tooth, Type 4; Charcot-Marie-Tooth disease, type IV. Identifiers: Orphanet 64749, MedGen C4082197, MONDO:0018995.

Allele frequency attached by ClinVar (database versions not stated): gnomAD 0.00001; gnomAD exomes 0.00003 and 0.00004; ExAC 0.00005; ESP Exome Variant Server 0.00015.

Submissions (2):

Labcorp Genetics (formerly Invitae), Labcorp
Classification: Likely benign for Charcot-Marie-Tooth disease type 4. Last evaluated: 2022-09-05. Review status: criteria provided, single submitter. Criteria: Invitae Variant Classification Sherloc (09022015). Collection method: clinical testing. Allele origin: germline.

PreventionGenetics, part of Exact Sciences
Classification: Likely benign for PRX-related condition. Last evaluated: 2019-09-05. Review status: no assertion criteria provided. Collection method: clinical testing. Allele origin: germline. Not counted in ClinVar's aggregate classification.
Comment: This variant is classified as likely benign based on ACMG/AMP sequence variant interpretation guidelines (Richards et al. 2015 PMID: 25741868, with internal and published modifications).

NM_181882.3(PRX):c.2040C>T (p.Leu680=)

Gene: PRX (periaxin; minus strand). Cytogenetic location: 19q13.2.
Variant type: single nucleotide variant.
Coding change: c.2040C>T on transcript NM_181882.3 (MANE Select); coding-DNA position 2040, C replaced by T.
Protein change: p.Leu680=; no amino-acid change (leucine 680 retained).
Molecular consequence: synonymous variant. On other transcripts: 3 prime UTR variant (1).
Genome position (GRCh38, 1-based): chr19:40,396,312, G>A on the plus strand (C>T on the coding strand, the complement: PRX is on the minus strand). VCF-style: chr19-40396312-G-A. GRCh37 (hg19) VCF-style: chr19-40902219-G-A.
Other names: c.*2245C>T (NM_020956.2); c.2040C>T (NM_181882.2).
Identifiers: ClinVar variation 1080168 (VCV001080168.10), dbSNP rs140717633, ClinGen allele CA9444133.
Genomic context (GRCh38, chr19:40,396,312, plus strand): 5'-GGCCATTTCAGGCACCTTGGGGAGTTTCATCTCTGAGACTTTTGGCAGCTGCACCTCGGG[G>A]AGTCGAACCTCTGGCACAGCCATCTCAGGCATTTTAGGGAGTTTCATCTCTGGGACTTTC-3'
Protein context (NP_870998.2, residues 670-690): MPEMAVPEVR[Leu680=]PEVQLPKVSE